The following is an entry in ClinVar:

NM_001271.4(CHD2):c.948C>A (p.Tyr316Ter)

Gene: CHD2 (chromodomain helicase DNA binding protein 2; plus strand). Cytogenetic location: 15q26.1.
Variant type: single nucleotide variant.
Coding change: c.948C>A on transcript NM_001271.4 (MANE Select); coding-DNA position 948, C replaced by A.
Protein change: p.Tyr316Ter; replaces tyrosine 316 with a stop codon.
Molecular consequence: nonsense.
Genome position (GRCh38, 1-based): chr15:92,942,964, C>A. VCF-style: chr15-92942964-C-A. GRCh37 (hg19) VCF-style: chr15-93486194-C-A.
Other names: c.948C>A, p.Tyr316Ter (NM_001042572.3); short protein forms Y316*.
Identifiers: ClinVar variation 812180 (VCV000812180.1), dbSNP rs1423903266, ClinGen allele CA393901878.

ClinVar aggregate classification (germline): Pathogenic (1 of 4 stars; one submission).

Conditions:
Developmental and epileptic encephalopathy 94 (DEE94). Also called: CHD2-Related Neurodevelopmental Disorders; Epileptic encephalopathy, childhood-onset. Identifiers: Orphanet 1942, Orphanet 2382, MedGen C3809278, MONDO:0014150, OMIM 615369.

Submission:

Cavalleri Lab, Royal College of Surgeons in Ireland
Classification: Pathogenic for Developmental and epileptic encephalopathy 94. Last evaluated: 2019-12-11. Review status: criteria provided, single submitter. Criteria: ACMG Guidelines, 2015. Collection method: research. Allele origin: de novo. Inheritance: Sporadic. Affected: yes.
Comment: ACMG evidence PVS1, PS2, PM2

Literature cited by the submitters: PubMed 32238909.